The following is an entry in ClinVar:

NM_000501.4(ELN):c.1747+22G>A

Genes: ELN (elastin; plus strand), ELN-AS1 (ELN antisense RNA 1; minus strand). Cytogenetic location: 7q11.23.
Variant type: single nucleotide variant.
Coding change: c.1747+22G>A on transcript NM_000501.4 (MANE Select); 22 bases into the intron after coding-DNA position 1747, G replaced by A.
Molecular consequence: intron variant. On other transcripts: missense variant (1).
Genome position (GRCh38, 1-based): chr7:74,060,523, G>A. VCF-style: chr7-74060523-G-A. GRCh37 (hg19) VCF-style: chr7-73474853-G-A.
Other names: c.1705+22G>A (NM_001081753.3); c.1765+22G>A (NM_001278915.2); c.1747+22G>A (NM_001278912.2); c.1690+22G>A (NM_001081755.3); c.1603+22G>A (NM_001278916.2); c.1504+22G>A (NM_001278913.2); c.1675+22G>A (NM_001278914.2); c.1717+22G>A (NM_001278917.2); and 4 more; short protein forms R619Q.
Identifiers: ClinVar variation 1929510 (VCV001929510.6), dbSNP rs782185462, ClinGen allele CA4293174.

ClinVar aggregate classification (germline): Conflicting classifications of pathogenicity. Review status: criteria provided, conflicting classifications (1 of 4 stars). 2 submissions from 2 submitters: Uncertain significance (1); Likely benign (1). Last evaluated 2023-10-25.

Conditions:
Supravalvar aortic stenosis (SVAS). Also called: Supravalvar aortic stenosis, Eisenberg type. Identifiers: Orphanet 3193, MedGen C0003499, MONDO:0008504, OMIM 185500, HP:0004381.

Allele frequency attached by ClinVar (database versions not stated): ExAC 0.00001; TOPMed 0.00002.
gnomAD v4.1: 32 of 1,614,060 alleles (0.002%); highest among the groups gnomAD compares: Non-Finnish European, 0.0023%; no homozygotes.

Submissions (2):

Blueprint Genetics
Classification: Likely benign. Last evaluated: 2023-10-25. Review status: criteria provided, single submitter. Criteria: ACMG Guidelines, 2015. Collection method: clinical testing. Allele origin: germline.

Labcorp Genetics (formerly Invitae), Labcorp
Classification: Uncertain significance for Supravalvar aortic stenosis. Last evaluated: 2022-03-27. Review status: criteria provided, single submitter. Criteria: Invitae Variant Classification Sherloc (09022015). Collection method: clinical testing. Allele origin: germline.
Comment: In summary, the available evidence is currently insufficient to determine the role of this variant in disease. Therefore, it has been classified as a Variant of Uncertain Significance. Algorithms developed to predict the effect of missense changes on protein structure and function are either unavailable or do not agree on the potential impact of this missense change (SIFT: "Tolerated"; PolyPhen-2: "Not Available"; Align-GVGD: "Class C0"). This variant has not been reported in the literature in individuals affected with ELN-related conditions. This variant is present in population databases (rs782185462, gnomAD 0.003%). This sequence change replaces arginine, which is basic and polar, with glutamine, which is neutral and polar, at codon 619 of the ELN protein (p.Arg619Gln).